The following is an entry in ClinVar:

NM_004947.5(DOCK3):c.3613G>C (p.Asp1205His)

Gene: DOCK3 (dedicator of cytokinesis 3; plus strand). Cytogenetic location: 3p21.2.
Variant type: single nucleotide variant.
Coding change: c.3613G>C on transcript NM_004947.5 (MANE Select); coding-DNA position 3613, G replaced by C.
Protein change: p.Asp1205His; replaces aspartic acid 1205 with histidine.
Molecular consequence: missense variant.
Genome position (GRCh38, 1-based): chr3:51,338,360, G>C. VCF-style: chr3-51338360-G-C. GRCh37 (hg19) VCF-style: chr3-51375791-G-C.
Other names: short protein forms D1205H.
Identifiers: ClinVar variation 4759453 (VCV004759453.1).

ClinVar aggregate classification (germline): Uncertain significance (1 of 4 stars; one submission).

Conditions:
Neurodevelopmental disorder with impaired intellectual development, hypotonia, and ataxia. Identifiers: MedGen C4749014, MONDO:0032661, OMIM 618292.

gnomAD v4.1: 4 of 1,551,576 alleles (0.00026%); highest among the groups gnomAD compares: Admixed American, 0.0039%; no homozygotes.

Submission:

Illumina Laboratory Services, Illumina
Classification: Uncertain significance for Neurodevelopmental disorder with impaired intellectual development, hypotonia, and ataxia. Last evaluated: 2023-10-23. Review status: criteria provided, single submitter. Criteria: ISL SNV Classification Criteria 03 February 2026. Collection method: clinical testing. Allele origin: unknown.
Comment: The DOCK3 c.3613G>C p.(Asp1205His) missense variant has not, to our knowledge, been reported in the peer-reviewed literature. This variant is not observed at a significant frequency in version 2.1.1 or version 3.1.2 of the Genome Aggregation Database. Based on the available evidence, the c.3613G>C p.(Asp1205His) variant is classified as a variant of uncertain significance for neurodevelopmental disorder with impaired intellectual development, hypotonia, and ataxia.